The following is an entry in ClinVar:

ClinVar aggregate classification (germline): Pathogenic (1 of 4 stars; one submission).

Conditions:
Congenital disorder of deglycosylation (CDDG). Identifiers: MedGen C3808991, MONDO:0031376.

Allele frequency attached by ClinVar (database versions not stated): gnomAD exomes below 0.00001.
gnomAD v4.1: 2 of 1,504,308 alleles (0.00013%); highest among the groups gnomAD compares: Non-Finnish European, 0.00018%; no homozygotes.

Submission:

Labcorp Genetics (formerly Invitae), Labcorp
Classification: Pathogenic for Congenital disorder of deglycosylation. Last evaluated: 2022-06-28. Review status: criteria provided, single submitter. Criteria: Invitae Variant Classification Sherloc (09022015). Collection method: clinical testing. Allele origin: germline.
Comment: For these reasons, this variant has been classified as Pathogenic. Algorithms developed to predict the effect of sequence changes on RNA splicing suggest that this variant may disrupt the consensus splice site. This variant has not been reported in the literature in individuals affected with NGLY1-related conditions. This variant is not present in population databases (gnomAD no frequency). This sequence change creates a premature translational stop signal (p.Gln492*) in the NGLY1 gene. It is expected to result in an absent or disrupted protein product. Loss-of-function variants in NGLY1 are known to be pathogenic (PMID: 24651605).

Literature cited by the submitters: PubMed 24651605.

NM_018297.4(NGLY1):c.1474C>T (p.Gln492Ter)

Gene: NGLY1 (N-glycanase 1; minus strand). Cytogenetic location: 3p24.2.
Variant type: single nucleotide variant.
Coding change: c.1474C>T on transcript NM_018297.4 (MANE Select); coding-DNA position 1474, C replaced by T.
Protein change: p.Gln492Ter; replaces glutamine 492 with a stop codon.
Molecular consequence: nonsense.
Genome position (GRCh38, 1-based): chr3:25,729,270, G>A on the plus strand (C>T on the coding strand, the complement: NGLY1 is on the minus strand). VCF-style: chr3-25729270-G-A. GRCh37 (hg19) VCF-style: chr3-25770761-G-A.
Other names: c.1420C>T, p.Gln474Ter (NM_001145293.2); c.1348C>T, p.Gln450Ter (NM_001145294.2); c.1474C>T, p.Gln492Ter (NM_001145295.2); short protein forms Q492*, Q450*, Q474*.
Identifiers: ClinVar variation 1454942 (VCV001454942.6), dbSNP rs2125459806, ClinGen allele CA351897005.